The following is an entry in ClinVar:

ClinVar aggregate classification (germline): Uncertain significance (1 of 4 stars; one submission).

Conditions:
Cardiovascular phenotype. Identifiers: MedGen CN230736.

Submission:

Ambry Genetics
Classification: Uncertain significance for Cardiovascular phenotype. Last evaluated: 2020-06-02. Review status: criteria provided, single submitter. Criteria: Ambry Variant Classification Scheme 2023. Collection method: clinical testing. Allele origin: germline.
Comment: The p.D300Y variant (also known as c.898G>T), located in coding exon 7 of the DSP gene, results from a G to T substitution at nucleotide position 898. The aspartic acid at codon 300 is replaced by tyrosine, an amino acid with highly dissimilar properties. This amino acid position is highly conserved in available vertebrate species. In addition, this alteration is predicted to be deleterious by in silico analysis. Since supporting evidence is limited at this time, the clinical significance of this alteration remains unclear.

NM_004415.4(DSP):c.898G>T (p.Asp300Tyr)

Gene: DSP (desmoplakin; plus strand). Cytogenetic location: 6p24.3.
Variant type: single nucleotide variant.
Coding change: c.898G>T on transcript NM_004415.4 (MANE Select); coding-DNA position 898, G replaced by T.
Protein change: p.Asp300Tyr; replaces aspartic acid 300 with tyrosine.
Molecular consequence: missense variant.
Genome position (GRCh38, 1-based): chr6:7,565,479, G>T. VCF-style: chr6-7565479-G-T. GRCh37 (hg19) VCF-style: chr6-7565712-G-T.
Other names: c.898G>T, p.Asp300Tyr (NM_001008844.3, NM_001319034.2, NM_001406591.1); short protein forms D300Y.
Identifiers: ClinVar variation 1765358 (VCV001765358.2), dbSNP rs759084237, ClinGen allele CA362674572.